The following is an entry in ClinVar:

NM_005379.4(MYO1A):c.2804T>C (p.Ile935Thr)

Gene: MYO1A (myosin IA; minus strand). Cytogenetic location: 12q13.3.
Variant type: single nucleotide variant.
Coding change: c.2804T>C on transcript NM_005379.4 (MANE Select); coding-DNA position 2804, T replaced by C.
Protein change: p.Ile935Thr; replaces isoleucine 935 with threonine.
Molecular consequence: missense variant.
Genome position (GRCh38, 1-based): chr12:57,029,508, A>G on the plus strand (T>C on the coding strand, the complement: MYO1A is on the minus strand). VCF-style: chr12-57029508-A-G. GRCh37 (hg19) VCF-style: chr12-57423292-A-G.
Other names: c.2804T>C, p.Ile935Thr (NM_001256041.2); short protein forms I935T.
Identifiers: ClinVar variation 164580 (VCV000164580.27), dbSNP rs372760228, ClinGen allele CA177291.

ClinVar aggregate classification (germline): Conflicting classifications of pathogenicity. Review status: criteria provided, conflicting classifications (1 of 4 stars). 3 submissions from 3 submitters: Uncertain significance (2); Likely benign (1). Last evaluated 2025-12-01.

Allele frequency attached by ClinVar (database versions not stated): gnomAD 0.00013 and 0.00014; TOPMed 0.00015; ExAC 0.00020; gnomAD exomes 0.00025.
gnomAD v4.1: 332 of 1,614,166 alleles (0.021%); highest among the groups gnomAD compares: Middle Eastern, 0.38%; 3 homozygotes.

Submissions (3):

CeGaT Center for Human Genetics Tuebingen
Classification: Likely benign. Last evaluated: 2025-12-01. Review status: criteria provided, single submitter. Criteria: CeGaT Center For Human Genetics Tuebingen Variant Classification Criteria Version 2. Collection method: clinical testing. Allele origin: germline. Affected: yes. Observed: 2 variant alleles.
Comment: MYO1A: BP4, BS2

Laboratory for Molecular Medicine, Mass General Brigham Personalized Medicine
Classification: Uncertain significance. Last evaluated: 2013-04-16. Review status: criteria provided, single submitter. Criteria: LMM Criteria. Collection method: clinical testing. Allele origin: germline. Observed: 2 variant alleles.
Comment: This variant has not been reported in large population studies. Computational prediction tools and conservation analyses do not provide strong support for or against an impact to the protein. In summary, the clinical significance of the Ile935Thr variant is uncertain.

Breakthrough Genomics
Classification: Uncertain significance. Review status: criteria provided, single submitter. Criteria: ACMG Guidelines, 2015. Collection method: not provided. Allele origin: germline. Inheritance: Unknown mechanism. Affected: yes.